The following is an entry in ClinVar:

ClinVar aggregate classification (germline): Likely pathogenic (1 of 4 stars; one submission).

Submission:

GeneDx
Classification: Likely pathogenic. Last evaluated: 2016-12-09. Review status: criteria provided, single submitter. Criteria: GeneDx Variant Classification (06012015). Collection method: clinical testing. Allele origin: germline. Affected: yes.
Comment: A novel c.3006_3009dupGCTC variant that is likely pathogenic has been identified in the GRIN2B gene. The c.3006_3009dupGCTC variant has not been published as a pathogenic variant, nor has it been reported as a benign variant to our knowledge. The c.3006_3009dupGCTC variant is not observed in large population cohorts (Lek et al., 2016; 1000 Genomes Consortium et al., 2015; Exome Variant Server). The c.3006_3009dupGCTC variant in the GRIN2B gene causes a frameshift starting with codon Tyrosine 1004, changes this amino acid to an Alanine residue and creates a premature Stop codon at position 5 of the new reading frame, denoted p.Tyr1004AlafsX5. This variant is predicted to cause protein truncation as the last 481 amino acids of the GRIN2B protein are changed to 4 incorrect amino acids. Therefore, this variant is likely pathogenic; however, the possibility that it is benign cannot be excluded.

NM_000834.5(GRIN2B):c.3006_3009dup (p.Tyr1004fs)

Gene: GRIN2B (glutamate ionotropic receptor NMDA type subunit 2B; minus strand). Cytogenetic location: 12p13.1.
Variant type: Duplication.
Coding change: c.3006_3009dup on transcript NM_000834.5 (MANE Select); coding-DNA positions 3006 to 3009, 4 bases duplicated (GCTC; older notation c.3006_3009dupGCTC).
Protein change: p.Tyr1004fs; shifts the reading frame from tyrosine 1004.
Molecular consequence: frameshift variant.
Genome position (GRCh38, 1-based): chr12:13,564,229-13,564,232, GAGC duplicated on the plus strand (GCTC on the coding strand, the reverse complement: GRIN2B is on the minus strand). VCF-style (leftmost placement, unchanged base first): chr12-13564228-A-AGAGC. GRCh37 (hg19) VCF-style: chr12-13717162-A-AGAGC.
Other names: short protein forms Y1004fs.
Identifiers: ClinVar variation 373637 (VCV000373637.1), dbSNP rs1057518520, ClinGen allele CA16042841.
Genomic context (GRCh38, chr12:13,564,228, plus strand): 5'-CCAGGGGCTTCTTGCTGATGGACCTGGACTGGGTGGTGAAGGGTGGGTTGTCACAGTCGT[A>AGAGC]GAGCCCATCGATGGAGCTGGCACTGCCAATACTATGGGGCCGGTGGTGATGGTGGTAGTG-3'